The following is an entry in ClinVar:

ClinVar aggregate classification (germline): Uncertain significance (1 of 4 stars; one submission).

Allele frequency attached by ClinVar (database versions not stated): gnomAD 0.00001; gnomAD exomes 0.00001 and 0.00002; TOPMed 0.00001; ExAC 0.00002.
gnomAD v4.1: 29 of 1,591,608 alleles (0.0018%); highest among the groups gnomAD compares: Middle Eastern, 0.023%; no homozygotes.

Submission:

GeneDx
Classification: Uncertain significance. Last evaluated: 2025-11-25. Review status: criteria provided, single submitter. Criteria: GeneDx Variant Classification Process June 2021. Collection method: clinical testing. Allele origin: germline. Affected: yes.
Comment: Not observed at significant frequency in large population cohorts (gnomAD); In silico analysis suggests that this missense variant does not alter protein structure/function; Has not been previously published as pathogenic or benign to our knowledge

NM_001009944.3(PKD1):c.2429A>G (p.Asn810Ser)

Gene: PKD1 (polycystin 1, transient receptor potential channel interacting; minus strand). Cytogenetic location: 16p13.3.
Variant type: single nucleotide variant.
Coding change: c.2429A>G on transcript NM_001009944.3 (MANE Select); coding-DNA position 2429, A replaced by G.
Protein change: p.Asn810Ser; replaces asparagine 810 with serine.
Molecular consequence: missense variant.
Genome position (GRCh38, 1-based): chr16:2,114,594, T>C on the plus strand (A>G on the coding strand, the complement: PKD1 is on the minus strand). VCF-style: chr16-2114594-T-C. GRCh37 (hg19) VCF-style: chr16-2164595-T-C.
Other names: c.2429A>G, p.Asn810Ser (NM_000296.4); short protein forms N810S.
Identifiers: ClinVar variation 1700728 (VCV001700728.3), dbSNP rs745343302, ClinGen allele CA7833218.